The following is an entry in ClinVar:

NM_003239.5(TGFB3):c.253G>A (p.Gly85Arg)

Gene: TGFB3 (transforming growth factor beta 3; minus strand). Cytogenetic location: 14q24.3.
Variant type: single nucleotide variant.
Coding change: c.253G>A on transcript NM_003239.5 (MANE Select); coding-DNA position 253, G replaced by A.
Protein change: p.Gly85Arg; replaces glycine 85 with arginine.
Molecular consequence: missense variant.
Genome position (GRCh38, 1-based): chr14:75,980,641, C>T on the plus strand (G>A on the coding strand, the complement: TGFB3 is on the minus strand). VCF-style: chr14-75980641-C-T. GRCh37 (hg19) VCF-style: chr14-76446984-C-T.
Other names: c.253G>A, p.Gly85Arg (NM_001329938.2, NM_001329939.2); short protein forms G85R.
Identifiers: ClinVar variation 4635579 (VCV004635579.1).

ClinVar aggregate classification (germline): Uncertain significance (1 of 4 stars; one submission).

Conditions:
Familial thoracic aortic aneurysm and aortic dissection (TAAD). Also called: Thoracic aortic aneurysms and dissections. Identifiers: Orphanet 91387, MedGen C4707243, MONDO:0019625.

gnomAD v4.1: 4 of 1,614,246 alleles (0.00025%); highest among the groups gnomAD compares: African/African-American, 0.0053%; no homozygotes.

Submission:

Ambry Genetics
Classification: Uncertain significance for Familial thoracic aortic aneurysm and aortic dissection. Last evaluated: 2025-12-10. Review status: criteria provided, single submitter. Criteria: Ambry Variant Classification Scheme 2023. Collection method: clinical testing. Allele origin: germline.
Comment: The p.G85R variant (also known as c.253G>A), located in coding exon 1 of the TGFB3 gene, results from a G to A substitution at nucleotide position 253. The glycine at codon 85 is replaced by arginine, an amino acid with dissimilar properties. This amino acid position is conserved. In addition, this alteration is predicted to be tolerated by in silico analysis. Based on the available evidence, the clinical significance of this variant remains unclear.